The following is an entry in ClinVar:

NM_006231.4(POLE):c.3028G>T (p.Ala1010Ser)

Gene: POLE (DNA polymerase epsilon, catalytic subunit; minus strand). Cytogenetic location: 12q24.33.
Variant type: single nucleotide variant.
Coding change: c.3028G>T on transcript NM_006231.4 (MANE Select); coding-DNA position 3028, G replaced by T.
Protein change: p.Ala1010Ser; replaces alanine 1010 with serine.
Molecular consequence: missense variant.
Genome position (GRCh38, 1-based): chr12:132,661,001, C>A on the plus strand (G>T on the coding strand, the complement: POLE is on the minus strand). VCF-style: chr12-132661001-C-A. GRCh37 (hg19) VCF-style: chr12-133237587-C-A.
Other names: short protein forms A1010S.
Identifiers: ClinVar variation 1371470 (VCV001371470.6), dbSNP rs2138689137, ClinGen allele CA387392252.
Genomic context (GRCh38, chr12:132,661,001, plus strand): 5'-CAGGTGAGGGTGGAGGGTAGGCCTTTACCTTGCTGTACAGCACGTCCAGCCAGTAGTCAG[C>A]CACCTTGGCTACAGAGCCATACACCTCTTCCAGCGTGCTGCCCTTGAGGAAGGCCTCAAA-3'
Protein context (NP_006222.2, residues 1000-1020): EEVYGSVAKV[Ala1010Ser]DYWLDVLYSK

ClinVar aggregate classification (germline): Uncertain significance (1 of 4 stars; one submission).

Submission:

Labcorp Genetics (formerly Invitae), Labcorp
Classification: Uncertain significance. Last evaluated: 2021-08-01. Review status: criteria provided, single submitter. Criteria: Invitae Variant Classification Sherloc (09022015). Collection method: clinical testing. Allele origin: germline.
Comment: In summary, the available evidence is currently insufficient to determine the role of this variant in disease. Therefore, it has been classified as a Variant of Uncertain Significance. Algorithms developed to predict the effect of missense changes on protein structure and function are either unavailable or do not agree on the potential impact of this missense change (SIFT: "Tolerated"; PolyPhen-2: "Possibly Damaging"; Align-GVGD: "Class C0"). This variant has not been reported in the literature in individuals affected with POLE-related conditions. This variant is not present in population databases (ExAC no frequency). This sequence change replaces alanine with serine at codon 1010 of the POLE protein (p.Ala1010Ser). The alanine residue is highly conserved and there is a moderate physicochemical difference between alanine and serine.